The following is an entry in ClinVar:

NM_013275.6(ANKRD11):c.5851G>A (p.Ala1951Thr)

Gene: ANKRD11 (ankyrin repeat domain 11; minus strand). Cytogenetic location: 16q24.3.
Variant type: single nucleotide variant.
Coding change: c.5851G>A on transcript NM_013275.6 (MANE Select); coding-DNA position 5851, G replaced by A.
Protein change: p.Ala1951Thr; replaces alanine 1951 with threonine.
Molecular consequence: missense variant.
Genome position (GRCh38, 1-based): chr16:89,280,691, C>T on the plus strand (G>A on the coding strand, the complement: ANKRD11 is on the minus strand). VCF-style: chr16-89280691-C-T. GRCh37 (hg19) VCF-style: chr16-89347099-C-T.
Other names: c.5851G>A, p.Ala1951Thr (NM_001256182.2, NM_001256183.2); short protein forms A1951T.
Identifiers: ClinVar variation 2854451 (VCV002854451.3), dbSNP rs755982261, ClinGen allele CA397152545.

ClinVar aggregate classification (germline): Uncertain significance (1 of 4 stars; one submission).

Conditions:
KBG syndrome (KBGS). Also called: ANKRD11-Related KBG Syndrome. Identifiers: Orphanet 2332, MedGen C0220687, MONDO:0007846, OMIM 148050.

Submission:

Labcorp Genetics (formerly Invitae), Labcorp
Classification: Uncertain significance for KBG syndrome. Last evaluated: 2023-04-09. Review status: criteria provided, single submitter. Criteria: Invitae Variant Classification Sherloc (09022015). Collection method: clinical testing. Allele origin: germline.
Comment: In summary, the available evidence is currently insufficient to determine the role of this variant in disease. Therefore, it has been classified as a Variant of Uncertain Significance. Advanced modeling of protein sequence and biophysical properties (such as structural, functional, and spatial information, amino acid conservation, physicochemical variation, residue mobility, and thermodynamic stability) performed at Invitae indicates that this missense variant is not expected to disrupt ANKRD11 protein function. This variant has not been reported in the literature in individuals affected with ANKRD11-related conditions. This variant is not present in population databases (gnomAD no frequency). This sequence change replaces alanine, which is neutral and non-polar, with threonine, which is neutral and polar, at codon 1951 of the ANKRD11 protein (p.Ala1951Thr).